The following is an entry in ClinVar:

ClinVar aggregate classification (germline): Uncertain significance. Review status: criteria provided, multiple submitters, no conflicts (2 of 4 stars). 2 submissions from 2 submitters: Uncertain significance (2). Last evaluated 2022-09-19.

Allele frequency attached by ClinVar (database versions not stated): gnomAD 0.00003 and 0.00004; 1000 Genomes Project 0.00040; 1000 Genomes Project 30x 0.00047.
gnomAD v4.1: 13 of 1,613,972 alleles (0.00081%); highest among the groups gnomAD compares: African/African-American, 0.016%; no homozygotes.

Submissions (2):

Labcorp Genetics (formerly Invitae), Labcorp
Classification: Uncertain significance. Last evaluated: 2022-09-19. Review status: criteria provided, single submitter. Criteria: Invitae Variant Classification Sherloc (09022015). Collection method: clinical testing. Allele origin: germline.
Comment: This sequence change replaces histidine, which is basic and polar, with arginine, which is basic and polar, at codon 116 of the TUBGCP4 protein (p.His116Arg). This variant is present in population databases (rs555525325, gnomAD 0.02%). This variant has not been reported in the literature in individuals affected with TUBGCP4-related conditions. ClinVar contains an entry for this variant (Variation ID: 1524490). Advanced modeling of protein sequence and biophysical properties (such as structural, functional, and spatial information, amino acid conservation, physicochemical variation, residue mobility, and thermodynamic stability) performed at Invitae indicates that this missense variant is not expected to disrupt TUBGCP4 protein function. In summary, the available evidence is currently insufficient to determine the role of this variant in disease. Therefore, it has been classified as a Variant of Uncertain Significance.

Breakthrough Genomics
Classification: Uncertain significance. Review status: criteria provided, single submitter. Criteria: ACMG Guidelines, 2015. Collection method: not provided. Allele origin: germline. Inheritance: Autosomal recessive inheritance. Affected: yes.

NM_014444.5(TUBGCP4):c.347A>G (p.His116Arg)

Gene: TUBGCP4 (tubulin gamma complex component 4; plus strand). Cytogenetic location: 15q15.3.
Variant type: single nucleotide variant.
Coding change: c.347A>G on transcript NM_014444.5 (MANE Select); coding-DNA position 347, A replaced by G.
Protein change: p.His116Arg; replaces histidine 116 with arginine.
Molecular consequence: missense variant.
Genome position (GRCh38, 1-based): chr15:43,377,030, A>G. VCF-style: chr15-43377030-A-G. GRCh37 (hg19) VCF-style: chr15-43669228-A-G.
Other names: c.347A>G, p.His116Arg (NM_001286414.3); short protein forms H116R.
Identifiers: ClinVar variation 1524490 (VCV001524490.4), dbSNP rs555525325, ClinGen allele CA7523743.